The following is an entry in ClinVar:

NM_144997.7(FLCN):c.932C>T (p.Pro311Leu)

Gene: FLCN (folliculin; minus strand). Cytogenetic location: 17p11.2.
Variant type: single nucleotide variant.
Coding change: c.932C>T on transcript NM_144997.7 (MANE Select); coding-DNA position 932, C replaced by T.
Protein change: p.Pro311Leu; replaces proline 311 with leucine.
Molecular consequence: missense variant.
Genome position (GRCh38, 1-based): chr17:17,219,149, G>A on the plus strand (C>T on the coding strand, the complement: FLCN is on the minus strand). VCF-style: chr17-17219149-G-A. GRCh37 (hg19) VCF-style: chr17-17122463-G-A.
Other names: c.932C>T (LRG_325t1); c.986C>T, p.Pro329Leu (NM_001353229.2); c.932C>T, p.Pro311Leu (NM_001353230.2, NM_001353231.2); short protein forms P311L, P329L.
Identifiers: ClinVar variation 579661 (VCV000579661.13), dbSNP rs916844425, ClinGen allele CA398532974.

ClinVar aggregate classification (germline): Conflicting classifications of pathogenicity. Review status: criteria provided, conflicting classifications (1 of 4 stars). 3 submissions from 3 submitters: Uncertain significance (2); Likely benign (1). Last evaluated 2026-01-08.

Conditions:
Hereditary cancer-predisposing syndrome. Also called: Hereditary neoplastic syndrome; Tumor predisposition; Hereditary Cancer Syndrome; Neoplastic Syndromes, Hereditary. Identifiers: Orphanet 140162, MedGen C0027672, MeSH D009386, MONDO:0015356.
Birt-Hogg-Dube syndrome. Also called: Birt Hogg Dubé syndrome. Identifiers: Orphanet 122, MedGen C0346010, MONDO:0800444.

Allele frequency attached by ClinVar (database versions not stated): gnomAD exomes below 0.00001; gnomAD 0.00003; TOPMed 0.00004.
gnomAD v4.1: 6 of 1,614,066 alleles (0.00037%); highest among the groups gnomAD compares: African/African-American, 0.0067%; no homozygotes.

Submissions (3):

Labcorp Genetics (formerly Invitae), Labcorp
Classification: Uncertain significance for Birt-Hogg-Dube syndrome. Last evaluated: 2026-01-08. Review status: criteria provided, single submitter. Criteria: Invitae Variant Classification Sherloc (09022015). Collection method: clinical testing. Allele origin: germline.
Comment: This sequence change replaces proline, which is neutral and non-polar, with leucine, which is neutral and non-polar, at codon 311 of the FLCN protein (p.Pro311Leu). This variant is present in population databases (no rsID available, gnomAD 0.01%). This variant has not been reported in the literature in individuals affected with FLCN-related conditions. ClinVar contains an entry for this variant (Variation ID: 579661). Invitae Evidence Modeling of protein sequence and biophysical properties (such as structural, functional, and spatial information, amino acid conservation, physicochemical variation, residue mobility, and thermodynamic stability) indicates that this missense variant is not expected to disrupt FLCN protein function with a negative predictive value of 80%. In summary, the available evidence is currently insufficient to determine the role of this variant in disease. Therefore, it has been classified as a Variant of Uncertain Significance.

Ambry Genetics
Classification: Likely benign for Hereditary cancer-predisposing syndrome. Last evaluated: 2023-07-20. Review status: criteria provided, single submitter. Criteria: Ambry Variant Classification Scheme 2023. Collection method: clinical testing. Allele origin: germline.

GeneDx
Classification: Uncertain significance. Last evaluated: 2020-12-18. Review status: criteria provided, single submitter. Criteria: GeneDx Variant Classification Process June 2021. Collection method: clinical testing. Allele origin: germline. Affected: yes.
Comment: Not observed at a significant frequency in large population cohorts (Lek 2016); In silico analysis supports that this missense variant does not alter protein structure/function; Has not been previously published as pathogenic or benign to our knowledge; This variant is associated with the following publications: (PMID: 26822149)